The following is an entry in ClinVar:

ClinVar aggregate classification (germline): Uncertain significance. Review status: criteria provided, multiple submitters, no conflicts (2 of 4 stars). 3 submissions from 3 submitters: Uncertain significance (3). Last evaluated 2026-04-28.

Conditions:
MANBA-related disorder. Also called: MANBA-related condition.
Beta-D-mannosidosis (MANSB). Also called: MANNOSIDOSIS, BETA A, LYSOSOMAL; BETA-MANNOSIDASE DEFICIENCY; Beta-Mannosidosis; LYSOSOMAL BETA-MANNOSIDASE DEFICIENCY. Identifiers: Orphanet 118, MedGen C4048196, MONDO:0009562, OMIM 248510.

Allele frequency attached by ClinVar (database versions not stated): ESP Exome Variant Server 0.00015.

Submissions (3):

PreventionGenetics, part of Exact Sciences
Classification: Uncertain significance for MANBA-related condition. Last evaluated: 2026-04-28. Review status: criteria provided, single submitter. Criteria: ACMG Guidelines, 2015. Collection method: clinical testing. Allele origin: germline.
Comment: The MANBA c.1754G>A variant is predicted to result in the amino acid substitution p.Arg585Gln. To our knowledge, this variant has not been reported in the literature. This variant is reported in 0.0097% of alleles in individuals of European (Non-Finnish) descent in gnomAD. At this time, the clinical significance of this variant is uncertain due to the absence of conclusive functional and genetic evidence.

GeneDx
Classification: Uncertain significance. Last evaluated: 2025-02-18. Review status: criteria provided, single submitter. Criteria: GeneDx Variant Classification Process June 2021. Collection method: clinical testing. Allele origin: germline. Affected: yes.
Comment: Not observed at significant frequency in large population cohorts (gnomAD); In silico analysis supports that this missense variant has a deleterious effect on protein structure/function; Has not been previously published as pathogenic or benign to our knowledge

Labcorp Genetics (formerly Invitae), Labcorp
Classification: Uncertain significance for Beta-D-mannosidosis. Last evaluated: 2024-07-17. Review status: criteria provided, single submitter. Criteria: Invitae Variant Classification Sherloc (09022015). Collection method: clinical testing. Allele origin: germline.
Comment: This sequence change replaces arginine, which is basic and polar, with glutamine, which is neutral and polar, at codon 585 of the MANBA protein (p.Arg585Gln). This variant is present in population databases (rs200033515, gnomAD 0.007%). This variant has not been reported in the literature in individuals affected with MANBA-related conditions. ClinVar contains an entry for this variant (Variation ID: 1516575). Advanced modeling of protein sequence and biophysical properties (such as structural, functional, and spatial information, amino acid conservation, physicochemical variation, residue mobility, and thermodynamic stability) performed at Invitae indicates that this missense variant is expected to disrupt MANBA protein function with a positive predictive value of 80%. In summary, the available evidence is currently insufficient to determine the role of this variant in disease. Therefore, it has been classified as a Variant of Uncertain Significance.

NM_005908.4(MANBA):c.1754G>A (p.Arg585Gln)

Gene: MANBA (mannosidase beta; minus strand). Cytogenetic location: 4q24.
Variant type: single nucleotide variant.
Coding change: c.1754G>A on transcript NM_005908.4 (MANE Select); coding-DNA position 1754, G replaced by A.
Protein change: p.Arg585Gln; replaces arginine 585 with glutamine.
Molecular consequence: missense variant.
Genome position (GRCh38, 1-based): chr4:102,650,652, C>T on the plus strand (G>A on the coding strand, the complement: MANBA is on the minus strand). VCF-style: chr4-102650652-C-T. GRCh37 (hg19) VCF-style: chr4-103571809-C-T.
Other names: c.1754G>A (NM_005908.3); short protein forms R585Q.
Identifiers: ClinVar variation 1516575 (VCV001516575.6), dbSNP rs200033515, ClinGen allele CA3026806.